The following is an entry in ClinVar:

ClinVar aggregate classification (germline): Likely benign (1 of 4 stars; one submission).

Submission:

CeGaT Center for Human Genetics Tuebingen
Classification: Likely benign. Last evaluated: 2026-06-01. Review status: criteria provided, single submitter. Criteria: CeGaT Center For Human Genetics Tuebingen Variant Classification Criteria Version 2. Collection method: clinical testing. Allele origin: germline. Affected: yes. Observed: 1 variant allele.
Comment: CHD3: PM2:Supporting, BP4, BP7

NM_001005273.3(CHD3):c.4176A>G (p.Lys1392=)

Gene: CHD3 (chromodomain helicase DNA binding protein 3; plus strand). Cytogenetic location: 17p13.1.
Variant type: single nucleotide variant.
Coding change: c.4176A>G on transcript NM_001005273.3 (MANE Select); coding-DNA position 4176, A replaced by G.
Protein change: p.Lys1392=; no amino-acid change (lysine 1392 retained).
Molecular consequence: synonymous variant.
Genome position (GRCh38, 1-based): chr17:7,905,658, A>G. VCF-style: chr17-7905658-A-G. GRCh37 (hg19) VCF-style: chr17-7808976-A-G.
Other names: c.4353A>G, p.Lys1451= (NM_001005271.3, NM_001437504.1); c.4341A>G, p.Lys1447= (NM_001437507.1, NM_001437508.1, NM_001437509.1); c.4176A>G, p.Lys1392= (NM_005852.4).
Identifiers: ClinVar variation 4875178 (VCV004875178.2).